The following is an entry in ClinVar:

ClinVar aggregate classification (germline): Likely pathogenic (1 of 4 stars; one submission).

Conditions:
Exostoses, multiple, type 2 (EXT2). Also called: Hereditary Multiple Osteochondromatosis, Type II; EXOSTOSES, MULTIPLE, TYPE II. Identifiers: Orphanet 321, MedGen C1851413, MONDO:0007586, OMIM 133701.

Submission:

MGZ Medical Genetics Center
Classification: Likely pathogenic for Exostoses, multiple, type 2. Last evaluated: 2022-08-04. Review status: criteria provided, single submitter. Criteria: ACMG Guidelines, 2015. Collection method: clinical testing. Allele origin: germline. Affected: yes. Observed: 1 variant allele.
Comment: ACMG criteria applied: PVS1, PM2_SUP

NM_207122.2(EXT2):c.832G>T (p.Glu278Ter)

Gene: EXT2 (exostosin glycosyltransferase 2; plus strand). Cytogenetic location: 11p11.2.
Variant type: single nucleotide variant.
Coding change: c.832G>T on transcript NM_207122.2 (MANE Select); coding-DNA position 832, G replaced by T.
Protein change: p.Glu278Ter; replaces glutamic acid 278 with a stop codon.
Molecular consequence: nonsense.
Genome position (GRCh38, 1-based): chr11:44,124,877, G>T. VCF-style: chr11-44124877-G-T. GRCh37 (hg19) VCF-style: chr11-44146427-G-T.
Other names: c.931G>T, p.Glu311Ter (NM_000401.3); c.832G>T, p.Glu278Ter (NM_001178083.3, NM_001389628.1, NM_001389630.1); short protein forms E278*, E311*.
Identifiers: ClinVar variation 1709474 (VCV001709474.2), dbSNP rs117329700, ClinGen allele CA380167193.